The following is an entry in ClinVar:

NM_001267550.2(TTN):c.63794-1G>A

Genes: TTN-AS1 (TTN antisense RNA 1; plus strand), TTN (titin; minus strand). Cytogenetic location: 2q31.2.
Variant type: single nucleotide variant.
Coding change: c.63794-1G>A on transcript NM_001267550.2 (MANE Select); the canonical splice acceptor site of the intron before coding-DNA position 63794, G replaced by A.
Molecular consequence: splice acceptor variant.
Genome position (GRCh38, 1-based): chr2:178,587,418, C>T on the plus strand (G>A on the coding strand, the complement: TTN is on the minus strand). VCF-style: chr2-178587418-C-T. GRCh37 (hg19) VCF-style: chr2-179452145-C-T.
Other names: c.36599-1G>A (NM_003319.4); c.37175-1G>A (NM_133437.4); c.36974-1G>A (NM_133432.3); c.56090-1G>A (NM_133378.4); c.58871-1G>A (NM_001256850.1).
Identifiers: ClinVar variation 948116 (VCV000948116.17), dbSNP rs2049262622, ClinGen allele CA349449022.
Genomic context (GRCh38, chr2:178,587,418, plus strand): 5'-CATGGCATGATGTTTTAGTGACATCTGAAACTTTTAAATCAGACACAGGCCCAGGAGTGT[C>T]TGTAAAGAATCATAAAATCAGATATACATGTCTCCTCAGCATCCCTATTAACAAATTCAT-3'

ClinVar aggregate classification (germline): Conflicting classifications of pathogenicity. Review status: criteria provided, conflicting classifications (1 of 4 stars). 5 submissions from 5 submitters: Pathogenic (1); Uncertain significance (1). 3 of the submissions do not count toward it. Last evaluated 2025-10-27.

Conditions:
Autosomal recessive limb-girdle muscular dystrophy type 2J (LGMDR10). Also called: Limb-girdle muscular dystrophy, type 2J; MUSCULAR DYSTROPHY, LIMB-GIRDLE, AUTOSOMAL RECESSIVE 10. Identifiers: Orphanet 140922, MedGen C1837342, MONDO:0012127, OMIM 608807.
Dilated cardiomyopathy 1G (CMD1G). Identifiers: Orphanet 154, MedGen C1858763, MONDO:0011400, OMIM 604145.
Cardiovascular phenotype. Identifiers: MedGen CN230736.

Allele frequency attached by ClinVar (database versions not stated): gnomAD exomes below 0.00001.
gnomAD v4.1: 1 of 1,606,240 alleles (0.000062%); highest among the groups gnomAD compares: Non-Finnish European, 0.000085%; no homozygotes.

Submissions (5):

Ambry Genetics
Classification: Uncertain significance for Cardiovascular phenotype. Last evaluated: 2025-10-27. Review status: criteria provided, single submitter. Criteria: Ambry Variant Classification Scheme 2023. Collection method: clinical testing. Allele origin: germline.
Comment: The c.36599-1G>A intronic variant results from a G to A substitution one nucleotide upstream from coding exon 134 of the TTN gene. This exon is located in the A-band region of the N2-B isoform of the titin protein and is constitutively expressed in TTN transcripts (percent spliced in or PSI 100%). This variant was reported in individual(s) with features consistent with dilated cardiomyopathy (DCM) (Hazebroek MR et al. Circ Heart Fail, 2018 Mar;11:e004682). Note, this variant is also referred to as c.63794-1G>A (NM_001267550.1) in the literature. This nucleotide position is highly conserved in available vertebrate species. In silico splice site analysis predicts that this alteration will weaken the native splice acceptor site and will result in the creation or strengthening of a novel splice acceptor site. This variant disrupts the canonical splice site and is expected to cause aberrant splicing. However, although direct evidence is unavailable, this alteration is predicted to result in an in-frame transcript that is not expected to trigger nonsense-mediated mRNA decay. The exact functional effect of the predicted splice impact is unknown. Based on the available evidence, the clinical significance of this variant remains unclear.

Labcorp Genetics (formerly Invitae), Labcorp
Classification: Pathogenic for Dilated cardiomyopathy 1G; Autosomal recessive limb-girdle muscular dystrophy type 2J. Last evaluated: 2025-10-06. Review status: criteria provided, single submitter. Criteria: Invitae Variant Classification Sherloc (09022015). Collection method: clinical testing. Allele origin: germline.
Comment: This sequence change affects an acceptor splice site in intron 306 of the TTN gene. It is expected to disrupt RNA splicing and likely results in a truncated or disrupted TTN protein. This variant is not present in population databases (gnomAD no frequency). Disruption of this splice site has been observed in individuals with dilated cardiomyopathy (PMID: 29540472, 32880476, 39425736). ClinVar contains an entry for this variant (Variation ID: 948116). Algorithms developed to predict the effect of sequence changes on RNA splicing suggest that this variant may disrupt the consensus splice site. This variant is located in the A band of TTN (PMID: 25589632). Truncating variants in this region are significantly overrepresented in patients affected with dilated cardiomyopathy (PMID: 25589632). Truncating variants in this region have also been reported in individuals affected with autosomal recessive centronuclear myopathy (PMID: 23975875). For these reasons, this variant has been classified as Pathogenic.

Diagnostic Laboratory, Department of Genetics, University Medical Center Groningen
Classification: Likely pathogenic. Review status: no assertion criteria provided. Collection method: clinical testing. Allele origin: germline. Affected: yes. Study: VKGL Data-share Consensus. Not counted in ClinVar's aggregate classification.

Genome Diagnostics Laboratory, University Medical Center Utrecht
Classification: Likely pathogenic. Review status: no assertion criteria provided. Collection method: clinical testing. Allele origin: germline. Affected: yes. Study: VKGL Data-share Consensus. Not counted in ClinVar's aggregate classification.

Joint Genome Diagnostic Labs from Nijmegen and Maastricht, Radboudumc and MUMC+
Classification: Likely pathogenic. Review status: no assertion criteria provided. Collection method: clinical testing. Allele origin: germline. Affected: yes. Study: VKGL Data-share Consensus. Not counted in ClinVar's aggregate classification.

Literature cited by the submitters: PubMed 29540472 (cited by Ambry Genetics and Labcorp Genetics (formerly Invitae), Labcorp); PubMed 32880476 (cited by Labcorp Genetics (formerly Invitae), Labcorp); PubMed 39425736 (cited by Labcorp Genetics (formerly Invitae), Labcorp); PubMed 25589632 (cited by Labcorp Genetics (formerly Invitae), Labcorp); PubMed 23975875 (cited by Labcorp Genetics (formerly Invitae), Labcorp).